The following is an entry in ClinVar:

ClinVar aggregate classification (germline): Uncertain significance. Review status: criteria provided, multiple submitters, no conflicts (2 of 4 stars). 5 submissions from 5 submitters: Uncertain significance (4). 1 of the submissions does not count toward it. Last evaluated 2024-10-30.

Conditions:
Developmental and epileptic encephalopathy, 18 (DEE18). Also called: Early infantile epileptic encephalopathy 18. Identifiers: Orphanet 369894, MedGen C3809624, MONDO:0014201, OMIM 615476.

Allele frequency attached by ClinVar (database versions not stated): gnomAD 0.00004; TOPMed 0.00004.
gnomAD v4.1: 68 of 1,614,052 alleles (0.0042%); highest among the groups gnomAD compares: Admixed American, 0.038%; no homozygotes.

Submissions (5):

Labcorp Genetics (formerly Invitae), Labcorp
Classification: Uncertain significance. Last evaluated: 2024-10-30. Review status: criteria provided, single submitter. Criteria: Invitae Variant Classification Sherloc (09022015). Collection method: clinical testing. Allele origin: germline.
Comment: This sequence change replaces arginine, which is basic and polar, with tryptophan, which is neutral and slightly polar, at codon 1457 of the SZT2 protein (p.Arg1457Trp). This variant is present in population databases (rs771790051, gnomAD 0.06%). This variant has not been reported in the literature in individuals affected with SZT2-related conditions. ClinVar contains an entry for this variant (Variation ID: 647731). Invitae Evidence Modeling of protein sequence and biophysical properties (such as structural, functional, and spatial information, amino acid conservation, physicochemical variation, residue mobility, and thermodynamic stability) indicates that this missense variant is expected to disrupt SZT2 protein function with a positive predictive value of 80%. In summary, the available evidence is currently insufficient to determine the role of this variant in disease. Therefore, it has been classified as a Variant of Uncertain Significance.

Blueprint Genetics
Classification: Uncertain significance. Last evaluated: 2024-10-25. Review status: criteria provided, single submitter. Criteria: ACMG Guidelines, 2015. Collection method: clinical testing. Allele origin: germline.

Genome-Nilou Lab
Classification: Uncertain significance for Developmental and epileptic encephalopathy, 18. Last evaluated: 2023-04-11. Review status: criteria provided, single submitter. Criteria: ACMG Guidelines, 2015. Collection method: clinical testing. Allele origin: germline. Affected: no.

GeneDx
Classification: Uncertain significance. Last evaluated: 2019-04-16. Review status: criteria provided, single submitter. Criteria: GeneDx Variant Classification Process June 2021. Collection method: clinical testing. Allele origin: germline. Affected: yes.
Comment: In silico analysis, which includes protein predictors and evolutionary conservation, supports that this variant does not alter protein structure/function; Has not been previously published as pathogenic or benign to our knowledge

Department of Developmental Neurology, Medical University of Gdansk
No classification provided. Condition: Developmental and epileptic encephalopathy, 18. Review status: no classification provided. Collection method: phenotyping only. Allele origin: unknown. Inheritance: Autosomal recessive inheritance. Affected: yes. Not counted in ClinVar's aggregate classification.

NM_001365999.1(SZT2):c.4540C>T (p.Arg1514Trp)

Gene: SZT2 (SZT2 subunit of KICSTOR complex; plus strand). Cytogenetic location: 1p34.2.
Variant type: single nucleotide variant.
Coding change: c.4540C>T on transcript NM_001365999.1 (MANE Select); coding-DNA position 4540, C replaced by T.
Protein change: p.Arg1514Trp; replaces arginine 1514 with tryptophan.
Molecular consequence: missense variant.
Genome position (GRCh38, 1-based): chr1:43,430,555, C>T. VCF-style: chr1-43430555-C-T. GRCh37 (hg19) VCF-style: chr1-43896226-C-T.
Other names: c.4369C>T, p.Arg1457Trp (NM_015284.4); short protein forms R1514W, R1457W.
Identifiers: ClinVar variation 647731 (VCV000647731.13), dbSNP rs771790051, ClinGen allele CA809324.